The following is an entry in ClinVar:

NM_024426.6(WT1):c.450C>A (p.Ser150Arg)

Genes: WT1 (WT1 transcription factor; minus strand), LOC107982234 (WT1/WT1-AS bi-directional promoter region; plus strand). Cytogenetic location: 11p13.
Variant type: single nucleotide variant.
Coding change: c.450C>A on transcript NM_024426.6 (MANE Select); coding-DNA position 450, C replaced by A.
Protein change: p.Ser150Arg; replaces serine 150 with arginine.
Molecular consequence: missense variant. On other transcripts: non-coding transcript variant (1).
Genome position (GRCh38, 1-based): chr11:32,434,911, G>T on the plus strand (C>A on the coding strand, the complement: WT1 is on the minus strand). VCF-style: chr11-32434911-G-T. GRCh37 (hg19) VCF-style: chr11-32456457-G-T.
Other names: c.450C>A, p.Ser150Arg (NM_000378.6, NM_024424.5); short protein forms S150R.
Identifiers: ClinVar variation 476705 (VCV000476705.10), dbSNP rs1213710686, ClinGen allele CA379965058.
Genomic context (GRCh38, chr11:32,434,911, plus strand): 5'-GGAAAAGTGGACAGTGAAGGCGCTCAGGCACTGCTCCTCGTGCGGCTCCGCGCCGCCCCA[G>T]CTCGGCTCCTGTTTGATGAAGGAGTGAGGCGGCGGCGGCGGGGGTGGCGGCGGAGCCGGT-3'
Protein context (NP_077744.4, residues 140-160): PPHSFIKQEP[Ser150Arg]WGGAEPHEEQ

ClinVar aggregate classification (germline): Uncertain significance. Review status: criteria provided, multiple submitters, no conflicts (2 of 4 stars). 2 submissions from 2 submitters: Uncertain significance (2). Last evaluated 2025-10-27.

Conditions:
Wilms tumor 1 (WT1). Also called: Wilms tumor, somatic. Identifiers: Orphanet 654, MedGen CN033288, MONDO:0008679, OMIM 194070.
Drash syndrome (DDS). Also called: NEPHROPATHY, WILMS TUMOR, AND GENITAL ANOMALIES; WILMS TUMOR AND PSEUDO- OR TRUE HERMAPHRODITISM. Identifiers: Orphanet 220, MedGen C0950121, MONDO:0008682, OMIM 194080.
11p partial monosomy syndrome (WAGR). Also called: WAGR Spectrum Disorder; CHROMOSOME 11p13 DELETION SYNDROME; WAGR syndrome; WAGR Complex. Identifiers: Orphanet 893, MedGen C0206115, MONDO:0008681, OMIM 194072.
Frasier syndrome. Identifiers: Orphanet 347, MedGen C0950122, MeSH D052159, MONDO:0007635, OMIM 136680.
Inborn genetic diseases. Identifiers: MedGen C0950123, MeSH D030342.

Submissions (2):

Ambry Genetics
Classification: Uncertain significance for Inborn genetic diseases. Last evaluated: 2025-10-27. Review status: criteria provided, single submitter. Criteria: Ambry Variant Classification Scheme 2023. Collection method: clinical testing. Allele origin: germline.
Comment: The p.S145R variant (also known as c.435C>A), located in coding exon 1 of the WT1 gene, results from a C to A substitution at nucleotide position 435. The serine at codon 145 is replaced by arginine, an amino acid with dissimilar properties. This amino acid position is conserved. In addition, this alteration is predicted to be tolerated by in silico analysis. Based on the available evidence, the clinical significance of this variant remains unclear.

Labcorp Genetics (formerly Invitae), Labcorp
Classification: Uncertain significance for Wilms tumor 1; Drash syndrome; 11p partial monosomy syndrome; Frasier syndrome. Last evaluated: 2021-07-28. Review status: criteria provided, single submitter. Criteria: Invitae Variant Classification Sherloc (09022015). Collection method: clinical testing. Allele origin: germline.
Comment: In summary, the available evidence is currently insufficient to determine the role of this variant in disease. Therefore, it has been classified as a Variant of Uncertain Significance. Algorithms developed to predict the effect of missense changes on protein structure and function (SIFT, PolyPhen-2, Align-GVGD) all suggest that this variant is likely to be disruptive, but these predictions have not been confirmed by published functional studies and their clinical significance is uncertain. This variant has not been reported in the literature in individuals with WT1-related disease. This variant is not present in population databases (ExAC no frequency). This sequence change replaces serine with arginine at codon 145 of the WT1 protein (p.Ser145Arg). The serine residue is highly conserved and there is a moderate physicochemical difference between serine and arginine.